The following is an entry in ClinVar:

NM_000059.4(BRCA2):c.2091_2094dup (p.Gln699fs)

Gene: BRCA2 (BRCA2 DNA repair associated; plus strand). Cytogenetic location: 13q13.1.
Variant type: Duplication.
Coding change: c.2091_2094dup on transcript NM_000059.4 (MANE Select); coding-DNA positions 2091 to 2094, 4 bases duplicated (ACTA; older notation c.2091_2094dupACTA).
Protein change: p.Gln699fs; shifts the reading frame from glutamine 699.
Molecular consequence: frameshift variant. On other transcripts: non-coding transcript variant (1), intron variant (2).
Genome position (GRCh38, 1-based): chr13:32,336,446-32,336,449, ACTA duplicated; duplicating any 4 consecutive bases within chr13:32,336,445-32,336,449 gives the same sequence; the c. name uses the placement nearest the transcript's 3' end. VCF-style (leftmost placement, unchanged base first): chr13-32336444-A-AAACT. GRCh37 (hg19) VCF-style: chr13-32910581-A-AAACT.
Other names: c.2091_2094dup, p.Gln699fs (NM_001406719.1, NM_001406720.1); c.1909+3059_1909+3062dup (NM_001406721.1); c.424+5416_424+5419dup (NM_001406722.1); c.2091_2094dupACTA (NM_000059.3); short protein forms Q699fs.
Identifiers: ClinVar variation 2586270 (VCV002586270.2), dbSNP rs2548523144, ClinGen allele CA2582341832.

ClinVar aggregate classification (germline): Pathogenic (1 of 4 stars; one submission).

Conditions:
Hereditary cancer-predisposing syndrome. Also called: Hereditary neoplastic syndrome; Tumor predisposition; Hereditary Cancer Syndrome; Neoplastic Syndromes, Hereditary. Identifiers: Orphanet 140162, MedGen C0027672, MeSH D009386, MONDO:0015356.

Submission:

Ambry Genetics
Classification: Pathogenic for Hereditary cancer-predisposing syndrome. Last evaluated: 2023-06-26. Review status: criteria provided, single submitter. Criteria: Ambry Variant Classification Scheme 2023. Collection method: clinical testing. Allele origin: germline.
Comment: The c.2091_2094dupACTA pathogenic mutation, located in coding exon 10 of the BRCA2 gene, results from a duplication of ACTA at nucleotide position 2091, causing a translational frameshift with a predicted alternate stop codon (p.Q699Tfs*10). This variant is considered to be rare based on population cohorts in the Genome Aggregation Database (gnomAD). This alteration is expected to result in loss of function by premature protein truncation or nonsense-mediated mRNA decay. As such, this alteration is interpreted as a disease-causing mutation.